The following is an entry in ClinVar:

NM_000138.5(FBN1):c.3364C>T (p.Leu1122Phe)

Gene: FBN1 (fibrillin 1; minus strand). Cytogenetic location: 15q21.1.
Variant type: single nucleotide variant.
Coding change: c.3364C>T on transcript NM_000138.5 (MANE Select); coding-DNA position 3364, C replaced by T.
Protein change: p.Leu1122Phe; replaces leucine 1122 with phenylalanine.
Molecular consequence: missense variant.
Genome position (GRCh38, 1-based): chr15:48,487,411, G>A on the plus strand (C>T on the coding strand, the complement: FBN1 is on the minus strand). VCF-style: chr15-48487411-G-A. GRCh37 (hg19) VCF-style: chr15-48779608-G-A.
Other names: c.3364C>T, p.Leu1122Phe (NM_001406716.1); short protein forms L1122F.
Identifiers: ClinVar variation 4759172 (VCV004759172.1).

ClinVar aggregate classification (germline): Uncertain significance (1 of 4 stars; one submission).

Conditions:
Familial thoracic aortic aneurysm and aortic dissection (TAAD). Also called: Thoracic aortic aneurysms and dissections. Identifiers: Orphanet 91387, MedGen C4707243, MONDO:0019625.

Submission:

Color Diagnostics, LLC DBA Color Health
Classification: Uncertain significance for Familial thoracic aortic aneurysm and aortic dissection. Last evaluated: 2025-11-24. Review status: criteria provided, single submitter. Criteria: ACMG Guidelines, 2015. Collection method: clinical testing. Allele origin: germline.
Comment: This missense variant replaces leucine with phenylalanine at codon 1122 of the FBN1 protein. Computational prediction is inconclusive regarding the impact of this variant on protein structure and function. To our knowledge, functional studies have not been reported for this variant. This variant has not been reported in individuals affected with FBN1-related disorders in the literature. This variant has not been identified in the general population by the Genome Aggregation Database (gnomAD). The available evidence is insufficient to determine the role of this variant in disease conclusively. Therefore, this variant is classified as a Variant of Uncertain Significance.